The following is an entry in ClinVar:

ClinVar aggregate classification (germline): Likely benign (1 of 4 stars; one submission).

Allele frequency attached by ClinVar (database versions not stated): gnomAD exomes below 0.00001; ExAC 0.00001; TOPMed 0.00006; gnomAD 0.00007; ESP Exome Variant Server 0.00015.
gnomAD v4.1: 12 of 1,613,542 alleles (0.00074%); highest among the groups gnomAD compares: African/African-American, 0.016%; no homozygotes.

Submission:

GeneDx
Classification: Likely benign. Last evaluated: 2024-01-26. Review status: criteria provided, single submitter. Criteria: GeneDx Variant Classification Process June 2021. Collection method: clinical testing. Allele origin: germline. Affected: yes.
Comment: See Variant Classification Assertion Criteria.

NM_000136.3(FANCC):c.*9C>T

Genes: FANCC (FA complementation group C; minus strand), AOPEP (aminopeptidase O (putative); plus strand). Cytogenetic location: 9q22.32.
Variant type: single nucleotide variant.
Coding change: c.*9C>T on transcript NM_000136.3 (MANE Select); 9 bases downstream of the stop codon, C replaced by T.
Molecular consequence: 3 prime UTR variant.
Genome position (GRCh38, 1-based): chr9:95,101,698, G>A on the plus strand (C>T on the coding strand, the complement: FANCC is on the minus strand). VCF-style: chr9-95101698-G-A. GRCh37 (hg19) VCF-style: chr9-97863980-G-A.
Other names: c.*9C>T (NM_001243743.2).
Identifiers: ClinVar variation 1216317 (VCV001216317.4), dbSNP rs370270817, ClinGen allele CA5137280.
Genomic context (GRCh38, chr9:95,101,698, plus strand): 5'-CATCACCTGTCCTGTGGCCCTGGCGAGCCTGATCCCTCACGCCGGGCACCCACACGGCCT[G>A]CGTGCCTTCTAGACTTGAGTTCGCAGCTCTTTAAGGAGCTCTCGGGCCAGTTTTTCTGAT-3'